The following is an entry in ClinVar:

ClinVar aggregate classification (germline): Uncertain significance. Review status: criteria provided, multiple submitters, no conflicts (2 of 4 stars). 2 submissions from 2 submitters: Uncertain significance (2). Last evaluated 2025-03-18.

Conditions:
Inborn genetic diseases. Identifiers: MedGen C0950123, MeSH D030342.
PKD1L1-related disorder. Also called: PKD1L1-related condition.

Allele frequency attached by ClinVar (database versions not stated): gnomAD exomes below 0.00001; TOPMed below 0.00001; ExAC 0.00001; gnomAD 0.00001.
gnomAD v4.1: 7 of 1,605,114 alleles (0.00044%); highest among the groups gnomAD compares: Non-Finnish European, 0.0006%; no homozygotes.

Submissions (2):

Ambry Genetics
Classification: Uncertain significance for Inborn genetic diseases. Last evaluated: 2025-03-18. Review status: criteria provided, single submitter. Criteria: Ambry Variant Classification Scheme 2023. Collection method: clinical testing. Allele origin: germline.

PreventionGenetics, part of Exact Sciences
Classification: Uncertain significance for PKD1L1-related condition. Last evaluated: 2022-08-23. Review status: criteria provided, single submitter. Criteria: ACMG Guidelines, 2015. Collection method: clinical testing. Allele origin: germline.
Comment: The PKD1L1 c.6932C>G variant is predicted to result in the amino acid substitution p.Ser2311Cys. To our knowledge, this variant has not been reported in the literature. This variant is reported in 0.00088% of alleles in individuals of European (Non-Finnish) descent in gnomAD. At this time, the clinical significance of this variant is uncertain due to the absence of conclusive functional and genetic evidence.

NM_138295.5(PKD1L1):c.6932C>G (p.Ser2311Cys)

Gene: PKD1L1 (polycystin 1 like 1, transient receptor potential channel interacting; minus strand). Cytogenetic location: 7p12.3.
Variant type: single nucleotide variant.
Coding change: c.6932C>G on transcript NM_138295.5 (MANE Select); coding-DNA position 6932, C replaced by G.
Protein change: p.Ser2311Cys; replaces serine 2311 with cysteine.
Molecular consequence: missense variant.
Genome position (GRCh38, 1-based): chr7:47,821,109, G>C on the plus strand (C>G on the coding strand, the complement: PKD1L1 is on the minus strand). VCF-style: chr7-47821109-G-C. GRCh37 (hg19) VCF-style: chr7-47860707-G-C.
Other names: short protein forms S2311C.
Identifiers: ClinVar variation 2636327 (VCV002636327.2), dbSNP rs780642246, ClinGen allele CA4252271.
Genomic context (GRCh38, chr7:47,821,109, plus strand): 5'-TCTGGAAGAGTTACCCAAACCTCCTACCTTGTAAATTCTTTCCGGATAGCTTGATTGAGG[G>C]AGTATTCATCTTGGGAAAATCTCCCATATATTACACACAAAAGCAGAAGCAGCATGAGGA-3'
Protein context (NP_612152.1, residues 2301-2321): IYGRFSQDEY[Ser2311Cys]LNQAIRKEFT